The following is an entry in ClinVar:

NM_000083.3(CLCN1):c.1231G>T (p.Gly411Cys)

Gene: CLCN1 (chloride voltage-gated channel 1; plus strand). Cytogenetic location: 7q34.
Variant type: single nucleotide variant.
Coding change: c.1231G>T on transcript NM_000083.3 (MANE Select); coding-DNA position 1231, G replaced by T.
Protein change: p.Gly411Cys; replaces glycine 411 with cysteine.
Molecular consequence: missense variant. On other transcripts: non-coding transcript variant (1).
Genome position (GRCh38, 1-based): chr7:143,332,483, G>T. VCF-style: chr7-143332483-G-T. GRCh37 (hg19) VCF-style: chr7-143029576-G-T.
Other names: short protein forms G411C.
Identifiers: ClinVar variation 429659 (VCV000429659.58), dbSNP rs756199349, ClinGen allele CA4537282.
Genomic context (GRCh38, chr7:143,332,483, plus strand): 5'-CTGCTGTATCCTGGAATTGTTACCTTTGTCATTGCCTCATTCACCTTCCCACCAGGAATG[G>T]GTCAATTCATGGCTGGAGAGGTCAGCTGTTGGTGGGGCCACATGGTAAAGAGGAAACAGC-3'
Protein context (NP_000074.3, residues 401-421): IASFTFPPGM[Gly411Cys]QFMAGELMPR

ClinVar aggregate classification (germline): Pathogenic/Likely pathogenic. Review status: criteria provided, multiple submitters, no conflicts (2 of 4 stars). 7 submissions from 7 submitters: Pathogenic (3); Likely pathogenic (4). Last evaluated 2025-12-16.

Conditions:
Congenital myotonia, autosomal recessive form. Also called: myotonia congenita, autosomal recessive; BECKER DISEASE; Becker Generalized Myotonia. Identifiers: Orphanet 614, MedGen C0751360, MONDO:0009715, OMIM 255700.
Congenital myotonia, autosomal dominant form (THD). Also called: Myotonia congenita autosomal dominant; THOMSEN DISEASE. Identifiers: Orphanet 614, MedGen C2936781, MONDO:0008055, OMIM 160800.

Allele frequency attached by ClinVar (database versions not stated): gnomAD exomes below 0.00001; ExAC 0.00001.
gnomAD v4.1: 2 of 1,613,962 alleles (0.00012%); highest among the groups gnomAD compares: Non-Finnish European, 0.00017%; no homozygotes.

Submissions (7):

Labcorp Genetics (formerly Invitae), Labcorp
Classification: Pathogenic for Congenital myotonia, autosomal recessive form; Congenital myotonia, autosomal dominant form. Last evaluated: 2025-12-16. Review status: criteria provided, single submitter. Criteria: Invitae Variant Classification Sherloc (09022015). Collection method: clinical testing. Allele origin: germline.
Comment: This sequence change replaces glycine, which is neutral and non-polar, with cysteine, which is neutral and slightly polar, at codon 411 of the CLCN1 protein (p.Gly411Cys). This variant is not present in population databases (gnomAD no frequency). This missense change has been observed in individual(s) with autosomal recessive myotonic congenita (PMID: 29606556, 33013670; internal data). In at least one individual the data is consistent with being in trans (on the opposite chromosome) from a pathogenic variant. It has also been observed to segregate with disease in related individuals. ClinVar contains an entry for this variant (Variation ID: 429659). Invitae Evidence Modeling of protein sequence and biophysical properties (such as structural, functional, and spatial information, amino acid conservation, physicochemical variation, residue mobility, and thermodynamic stability) indicates that this missense variant is expected to disrupt CLCN1 protein function with a positive predictive value of 95%. Experimental studies have shown that this missense change affects CLCN1 function (PMID: 33013670). For these reasons, this variant has been classified as Pathogenic.

Revvity Omics, Revvity
Classification: Likely pathogenic. Last evaluated: 2025-06-21. Review status: criteria provided, single submitter. Criteria: ACMG Guidelines, 2015. Collection method: clinical testing. Allele origin: germline.

GeneDx
Classification: Pathogenic. Last evaluated: 2024-03-14. Review status: criteria provided, single submitter. Criteria: GeneDx Variant Classification Process June 2021. Collection method: clinical testing. Allele origin: germline. Affected: yes.
Comment: Published functional studies demonstrate a damaging effect and show that this variant abolishes chloride currents and significantly reduces plasma membrane protein expression (PMID: 33013670); In silico analysis supports that this missense variant has a deleterious effect on protein structure/function; Not observed at significant frequency in large population cohorts (gnomAD); This variant is associated with the following publications: (PMID: 29606556, 33013670)

Athena Diagnostics
Classification: Pathogenic. Last evaluated: 2023-12-20. Review status: criteria provided, single submitter. Criteria: Athena Diagnostics Criteria. Collection method: clinical testing. Allele origin: unknown.
Comment: This variant has been identified in at least one individual with autosomal recessive myotonia congenita. This variant has not been reported in large, multi-ethnic general populations. Assessment of experimental evidence suggests this variant results in abnormal protein function. (PMID: 33013670) In multiple individuals, this variant has been seen with a single recessive pathogenic variant in the same gene, suggesting this variant may also be pathogenic.

Women's Health and Genetics/Laboratory Corporation of America, LabCorp
Classification: Likely pathogenic for Congenital myotonia, autosomal recessive form. Last evaluated: 2023-06-27. Review status: criteria provided, single submitter. Criteria: LabCorp Variant Classification Summary - May 2015. Collection method: clinical testing. Allele origin: germline.
Comment: Variant summary: CLCN1 c.1231G>T (p.Gly411Cys) results in a non-conservative amino acid change in the encoded protein sequence. Five of five in-silico tools predict a damaging effect of the variant on protein function. The variant was absent in 251470 control chromosomes (gnomAD). c.1231G>T has been reported in the literature in compound heterozygous individuals affected with Autosomal Recessive Myotonia Congenita (e.g. Stunnenberg_2018, Altamura_2020). These data indicate that the variant may be associated with disease. When transfected into HEK293 cells, the variant did not properly traffick to the cell surface. When these transfected cells were treated with MG132, the trafficking defect was rescued but cells expressing the variant still failed to produce a chloride current when examined via patch-clamp analysis, indicating the variant produces a non-functional chloride channel (Altamura_2020). The following publications have been ascertained in the context of this evaluation (PMID: 33013670, 29606556). Three ClinVar submitters have assessed the variant since 2014: two classified the variant as uncertain significance and one as likely pathogenic. Based on the evidence outlined above, the variant was classified as likely pathogenic.

CeGaT Center for Human Genetics Tuebingen
Classification: Likely pathogenic. Last evaluated: 2019-03-01. Review status: criteria provided, single submitter. Criteria: CeGaT Center For Human Genetics Tuebingen Variant Classification Criteria Version 2. Collection method: clinical testing. Allele origin: germline. Affected: yes. Observed: 1 variant allele.

Department Of Human Genetics, Institute Of Clinical And Translational Research, Biomedical Research Center, Slovak Academy Of Sciences
Classification: Likely pathogenic for Congenital myotonia, autosomal recessive form. Review status: criteria provided, single submitter. Criteria: ACMG Guidelines, 2015. Collection method: research. Allele origin: germline. Inheritance: Autosomal recessive inheritance. Affected: yes. Observed: 1 variant allele.
Comment: The c.1231G>T variant is listed as a disease-causing in the HGMD database (CM187251) and it has been published for the first time in PMID: 29606556. GnomAD Exomes Version: 4.0 indicates the frequency of f = 0.00000318. When transfected into HEK293 cells, the variant did not properly traffick to the cell surface. When these transfected cells were treated with MG132, the trafficking defect was rescued but cells expressing the variant still failed to produce a chloride current when examined via patch-clamp analysis, indicating the variant produces a non-functional chloride channel (PMID: 33013670)

Literature cited by the submitters: PubMed 29606556 (cited by 4 submitters); PubMed 33013670 (cited by 4 submitters).